The following is an entry in ClinVar:

ClinVar aggregate classification (germline): Uncertain significance (1 of 4 stars; one submission).

Conditions:
Developmental delay with or without epilepsy (DEVEP). Identifiers: MedGen C5882702, MONDO:0957815, OMIM 620540.

Submission:

Molecular Genetics and NGS Laboratory, Hospital Fundacion Valle Del Lili
Classification: Uncertain significance for Developmental delay with or without epilepsy. Last evaluated: 2024-08-14. Review status: criteria provided, single submitter. Criteria: ACMG Guidelines, 2015. Collection method: clinical testing. Allele origin: germline. Affected: yes. Observed: 1 variant allele.
Comment: Variant is predicted splicing: and LOF in gene SPTAN1 is known to cause disease (gene has 54 reported pathogenic LOF variants) (PP3), Variant not found in gnomAD genomes, Variant not found in gnomAD exomes (PM2),127 out of 163 non-VUS missense variants in gene SPTAN1 are benign = 77.9% which is more than threshold of 56.9% (BP1).

NM_001130438.3(SPTAN1):c.3628G>A (p.Glu1210Lys)

Gene: SPTAN1 (spectrin alpha, non-erythrocytic 1; plus strand). Cytogenetic location: 9q34.11.
Variant type: single nucleotide variant.
Coding change: c.3628G>A on transcript NM_001130438.3 (MANE Select); coding-DNA position 3628, G replaced by A.
Protein change: p.Glu1210Lys; replaces glutamic acid 1210 with lysine.
Molecular consequence: missense variant.
Genome position (GRCh38, 1-based): chr9:128,604,326, G>A. VCF-style: chr9-128604326-G-A. GRCh37 (hg19) VCF-style: chr9-131366605-G-A.
Other names: p.Glu1210Lys; c.3568G>A, p.Glu1190Lys (NM_001195532.2, NM_001363765.2, NM_001375314.2); c.3628G>A, p.Glu1210Lys (NM_001363759.2, NM_001375310.1, NM_001375311.2 and 2 more transcripts); c.3664G>A, p.Glu1222Lys (NM_001375312.2, NM_001375318.1); short protein forms E1190K, E1210K, E1222K.
Identifiers: ClinVar variation 3338290 (VCV003338290.2).
Genomic context (GRCh38, chr9:128,604,326, plus strand): 5'-CTGACTGGGGGCATGACAGGAGAGGGAGTGCAGTGGAGCTGATGTTTTGCTGTCCTGCAG[G>A]AGCTGAATGAGCGCTGGCGGTCCCTACAGCAGCTGGCCGAGGAACGGAGCCAGCTCTTGG-3'
Protein context (NP_001123910.1, residues 1200-1220): HTVATFNSIK[Glu1210Lys]LNERWRSLQQ